The following is an entry in ClinVar:

ClinVar aggregate classification (germline): Benign/Likely benign. Review status: criteria provided, multiple submitters, no conflicts (2 of 4 stars). 5 submissions from 4 submitters: Benign (2); Likely benign (3). Last evaluated 2025-12-15.

Conditions:
Aortic valve disease 1 (AOVD1). Identifiers: MedGen C3887892, MONDO:0024523, OMIM 109730.
Familial thoracic aortic aneurysm and aortic dissection (TAAD). Also called: Thoracic aortic aneurysms and dissections. Identifiers: Orphanet 91387, MedGen C4707243, MONDO:0019625.
Adams-Oliver syndrome 5 (AOS5). Identifiers: Orphanet 974, MedGen C4014970, MONDO:0014459, OMIM 616028.

Allele frequency attached by ClinVar (database versions not stated): gnomAD exomes 0.00001 and 0.00002; gnomAD 0.00002 and 0.00003; TOPMed 0.00003; ExAC 0.00004; ESP Exome Variant Server 0.00008.
gnomAD v4.1: 28 of 1,576,978 alleles (0.0018%); highest among the groups gnomAD compares: Non-Finnish European, 0.0022%; no homozygotes.

Submissions (5):

Labcorp Genetics (formerly Invitae), Labcorp
Classification: Likely benign for Adams-Oliver syndrome 5. Last evaluated: 2025-12-15. Review status: criteria provided, single submitter. Criteria: Invitae Variant Classification Sherloc (09022015). Collection method: clinical testing. Allele origin: germline.

Genome-Nilou Lab
Classification: Benign for Adams-Oliver syndrome 5. Last evaluated: 2022-03-15. Review status: criteria provided, single submitter. Criteria: ACMG Guidelines, 2015. Collection method: clinical testing. Allele origin: germline. Affected: no.

Genome-Nilou Lab
Classification: Benign for Aortic valve disease 1. Last evaluated: 2022-03-15. Review status: criteria provided, single submitter. Criteria: ACMG Guidelines, 2015. Collection method: clinical testing. Allele origin: germline. Affected: no.

GeneDx
Classification: Likely benign. Last evaluated: 2017-05-16. Review status: criteria provided, single submitter. Criteria: GeneDx Variant Classification (06012015). Collection method: clinical testing. Allele origin: germline. Affected: yes.
Comment: This variant is considered likely benign or benign based on one or more of the following criteria: it is a conservative change, it occurs at a poorly conserved position in the protein, it is predicted to be benign by multiple in silico algorithms, and/or has population frequency not consistent with disease.

Ambry Genetics
Classification: Likely benign for Familial thoracic aortic aneurysm and aortic dissection. Last evaluated: 2016-02-08. Review status: criteria provided, single submitter. Criteria: Ambry Variant Classification Scheme 2023. Collection method: clinical testing. Allele origin: germline.

NM_017617.5(NOTCH1):c.114A>G (p.Glu38=)

Gene: NOTCH1 (notch receptor 1; minus strand). Cytogenetic location: 9q34.3.
Variant type: single nucleotide variant.
Coding change: c.114A>G on transcript NM_017617.5 (MANE Select); coding-DNA position 114, A replaced by G.
Protein change: p.Glu38=; no amino-acid change (glutamic acid 38 retained).
Molecular consequence: synonymous variant.
Genome position (GRCh38, 1-based): chr9:136,544,050, T>C on the plus strand (A>G on the coding strand, the complement: NOTCH1 is on the minus strand). VCF-style: chr9-136544050-T-C. GRCh37 (hg19) VCF-style: chr9-139438502-T-C.
Other names: c.114A>G, p.Glu38= (LRG_1122t1).
Identifiers: ClinVar variation 509615 (VCV000509615.15), dbSNP rs375506915, ClinGen allele CA5342257.
Genomic context (GRCh38, chr9:136,544,050, plus strand): 5'-ACAAAGCAACAGGTCCCGCAGGGGTGGTACTCACACGCAGGCCTCCGTGCCATTGGCCGC[T>C]TCACACTTCCCGCCATTCAGGCAGGTCTCACCGGGCTGGGAGCATCGCGGGCCTAGGCAG-3'
Protein context (NP_060087.3, residues 28-48): GETCLNGGKC[Glu38=]AANGTEACVC